The following is an entry in ClinVar:

NM_000038.6(APC):c.3358G>C (p.Gly1120Arg)

Gene: APC (APC regulator of Wnt signaling pathway; plus strand). Cytogenetic location: 5q22.2.
Variant type: single nucleotide variant.
Coding change: c.3358G>C on transcript NM_000038.6 (MANE Select); coding-DNA position 3358, G replaced by C.
Protein change: p.Gly1120Arg; replaces glycine 1120 with arginine.
Molecular consequence: missense variant. On other transcripts: non-coding transcript variant (2).
Genome position (GRCh38, 1-based): chr5:112,838,952, G>C. VCF-style: chr5-112838952-G-C. GRCh37 (hg19) VCF-style: chr5-112174649-G-C.
Other names: c.3358G>C, p.Gly1120Arg (NM_001354895.2, NM_001127510.3, NM_001407450.1); c.3412G>C, p.Gly1138Arg (NM_001354896.2, NM_001407448.1, NM_001407449.1 and 1 more transcripts); c.3388G>C, p.Gly1130Arg (NM_001354897.2); c.3283G>C, p.Gly1095Arg (NM_001354898.2); c.3274G>C, p.Gly1092Arg (NM_001354899.2); c.3235G>C, p.Gly1079Arg (NM_001354900.2); c.3085G>C, p.Gly1029Arg (NM_001354902.2); c.3181G>C, p.Gly1061Arg (NM_001354901.2, NM_001407453.1); and 11 more; short protein forms G1019R, G1029R, G1037R, G1079R, G1130R, G736R, G991R, G1148R.
Identifiers: ClinVar variation 3635440 (VCV003635440.2).

ClinVar aggregate classification (germline): Uncertain significance (1 of 4 stars; one submission).

Conditions:
Familial adenomatous polyposis 1 (FAP1). Also called: FAMILIAL ADENOMATOUS POLYPOSIS 1, ATTENUATED; POLYPOSIS, ADENOMATOUS INTESTINAL. Identifiers: MedGen C2713442, MONDO:0021056, OMIM 175100. Disease mechanism: loss of function.

Submission:

Labcorp Genetics (formerly Invitae), Labcorp
Classification: Uncertain significance for Familial adenomatous polyposis 1. Last evaluated: 2024-05-16. Review status: criteria provided, single submitter. Criteria: Invitae Variant Classification Sherloc (09022015). Collection method: clinical testing. Allele origin: germline.
Comment: This sequence change replaces glycine, which is neutral and non-polar, with arginine, which is basic and polar, at codon 1120 of the APC protein (p.Gly1120Arg). This variant is not present in population databases (gnomAD no frequency). This variant has not been reported in the literature in individuals affected with APC-related conditions. Advanced modeling of protein sequence and biophysical properties (such as structural, functional, and spatial information, amino acid conservation, physicochemical variation, residue mobility, and thermodynamic stability) performed at Invitae indicates that this missense variant is not expected to disrupt APC protein function with a negative predictive value of 95%. In summary, the available evidence is currently insufficient to determine the role of this variant in disease. Therefore, it has been classified as a Variant of Uncertain Significance.